The following is an entry in ClinVar:

NM_001349253.2(SCN11A):c.5184C>T (p.Thr1728=)

Gene: SCN11A (sodium voltage-gated channel alpha subunit 11; minus strand). Cytogenetic location: 3p22.2.
Variant type: single nucleotide variant.
Coding change: c.5184C>T on transcript NM_001349253.2 (MANE Select); coding-DNA position 5184, C replaced by T.
Protein change: p.Thr1728=; no amino-acid change (threonine 1728 retained).
Molecular consequence: synonymous variant.
Genome position (GRCh38, 1-based): chr3:38,846,886, G>A on the plus strand (C>T on the coding strand, the complement: SCN11A is on the minus strand). VCF-style: chr3-38846886-G-A. GRCh37 (hg19) VCF-style: chr3-38888377-G-A.
Other names: c.5184C>T, p.Thr1728= (NM_014139.3); c.5184C>T (NM_014139.2).
Identifiers: ClinVar variation 2144936 (VCV002144936.6), dbSNP rs982496528, ClinGen allele CA72959304.
Genomic context (GRCh38, chr3:38,846,886, plus strand): 5'-CATGTACTTTCGAAAGGCCTTTTGAATAATAGCAGCACCTCTTTCCTCTTCCTTTCTCTT[G>A]GTGGTGGTGACTATGGGTTCATACAACTTCTTGAGAGGATTGGCTTCCATGAACTTCTCT-3'
Protein context (NP_001336182.1, residues 1718-1738): KKLYEPIVTT[Thr1728=]KRKEEERGAA

ClinVar aggregate classification (germline): Likely benign. Review status: criteria provided, multiple submitters, no conflicts (2 of 4 stars). 3 submissions from 3 submitters: Likely benign (3). Last evaluated 2026-03-11.

Conditions:
SCN11A-related disorder. Also called: SCN11A-related condition.
Hereditary sensory and autonomic neuropathy type 7. Also called: HSAN VII; Neuropathy, hereditary sensory and autonomic, type VII. Identifiers: Orphanet 391397, MedGen C3809882, MONDO:0014244, OMIM 615548.
Familial episodic pain syndrome with predominantly lower limb involvement. Also called: Episodic pain syndrome, familial, 3. Identifiers: Orphanet 391384, Orphanet 391392, MedGen C3809899, MONDO:0014247, OMIM 615552.

gnomAD v4.1: 7 of 1,613,932 alleles (0.00043%); highest among the groups gnomAD compares: Admixed American, 0.0067%; no homozygotes.

Submissions (3):

Women's Health and Genetics/Laboratory Corporation of America, LabCorp
Classification: Likely benign. Last evaluated: 2026-03-11. Review status: criteria provided, single submitter. Criteria: LabCorp Variant Classification Summary - May 2015. Collection method: clinical testing. Allele origin: germline.

PreventionGenetics, part of Exact Sciences
Classification: Likely benign for SCN11A-related condition. Last evaluated: 2026-02-07. Review status: criteria provided, single submitter. Criteria: ACMG Guidelines, 2015. Collection method: clinical testing. Allele origin: germline.
Comment: This variant is classified as likely benign based on ACMG/AMP sequence variant interpretation guidelines (Richards et al. 2015 PMID: 25741868, with internal and published modifications).

Labcorp Genetics (formerly Invitae), Labcorp
Classification: Likely benign for Familial episodic pain syndrome with predominantly lower limb involvement; Hereditary sensory and autonomic neuropathy type 7. Last evaluated: 2024-12-16. Review status: criteria provided, single submitter. Criteria: Invitae Variant Classification Sherloc (09022015). Collection method: clinical testing. Allele origin: germline.